The following is an entry in ClinVar:

NM_001008537.3(NEXMIF):c.766C>T (p.Gln256Ter)

Gene: NEXMIF (neurite extension and migration factor; minus strand). Cytogenetic location: Xq13.3.
Variant type: single nucleotide variant.
Coding change: c.766C>T on transcript NM_001008537.3 (MANE Select); coding-DNA position 766, C replaced by T.
Protein change: p.Gln256Ter; replaces glutamine 256 with a stop codon.
Molecular consequence: nonsense.
Genome position (GRCh38, 1-based): chrX:74,743,791, G>A on the plus strand (C>T on the coding strand, the complement: NEXMIF is on the minus strand). VCF-style: chrX-74743791-G-A. GRCh37 (hg19) VCF-style: chrX-73963626-G-A.
Other names: short protein forms Q256*.
Identifiers: ClinVar variation 424256 (VCV000424256.3), dbSNP rs1064796882, ClinGen allele CA16621503.

ClinVar aggregate classification (germline): Pathogenic. Review status: criteria provided, multiple submitters, no conflicts (2 of 4 stars). 2 submissions from 2 submitters: Pathogenic (2). Last evaluated 2025-12-21.

Submissions (2):

Labcorp Genetics (formerly Invitae), Labcorp
Classification: Pathogenic. Last evaluated: 2025-12-21. Review status: criteria provided, single submitter. Criteria: Invitae Variant Classification Sherloc (09022015). Collection method: clinical testing. Allele origin: germline.
Comment: This sequence change creates a premature translational stop signal (p.Gln256*) in the NEXMIF gene. It is expected to result in an absent or disrupted protein product. Loss-of-function variants in NEXMIF are known to be pathogenic (PMID: 23615299). This variant is not present in population databases (gnomAD no frequency). This variant has not been reported in the literature in individuals affected with NEXMIF-related conditions. ClinVar contains an entry for this variant (Variation ID: 424256). For these reasons, this variant has been classified as Pathogenic.

GeneDx
Classification: Pathogenic. Last evaluated: 2017-03-16. Review status: criteria provided, single submitter. Criteria: GeneDx Variant Classification (06012015). Collection method: clinical testing. Allele origin: germline. Affected: yes.
Comment: The Q256X variant in the KIAA2022 gene has not been reported previously as a pathogenic variantnor as a benign variant, to our knowledge. This variant is predicted to cause loss of normal proteinfunction either through protein truncation or nonsense-mediated mRNA decay. The XX variant is notobserved in large population cohorts (Lek et al., 2016; 1000 Genomes Consortium et al., 2015;Exome Variant Server). We interpret Q256X as a pathogenic variant.

Literature cited by the submitters: PubMed 23615299 (cited by Labcorp Genetics (formerly Invitae), Labcorp).